The following is an entry in ClinVar:

NM_206933.4(USH2A):c.12914T>C (p.Met4305Thr)

Gene: USH2A (usherin; minus strand). Cytogenetic location: 1q41.
Variant type: single nucleotide variant.
Coding change: c.12914T>C on transcript NM_206933.4 (MANE Select); coding-DNA position 12914, T replaced by C.
Protein change: p.Met4305Thr; replaces methionine 4305 with threonine.
Molecular consequence: missense variant.
Genome position (GRCh38, 1-based): chr1:215,674,997, A>G on the plus strand (T>C on the coding strand, the complement: USH2A is on the minus strand). VCF-style: chr1-215674997-A-G. GRCh37 (hg19) VCF-style: chr1-215848339-A-G.
Other names: short protein forms M4305T.
Identifiers: ClinVar variation 1505974 (VCV001505974.5), dbSNP rs763192052, ClinGen allele CA1393391.

ClinVar aggregate classification (germline): Uncertain significance (1 of 4 stars; one submission).

Allele frequency attached by ClinVar (database versions not stated): TOPMed below 0.00001; ExAC 0.00001; gnomAD exomes below 0.00001.
gnomAD v4.1: 1 of 1,614,210 alleles (0.000062%); highest among the groups gnomAD compares: African/African-American, 0.0013%; no homozygotes.

Submission:

Labcorp Genetics (formerly Invitae), Labcorp
Classification: Uncertain significance. Last evaluated: 2022-11-01. Review status: criteria provided, single submitter. Criteria: Invitae Variant Classification Sherloc (09022015). Collection method: clinical testing. Allele origin: germline.
Comment: This sequence change replaces methionine, which is neutral and non-polar, with threonine, which is neutral and polar, at codon 4305 of the USH2A protein (p.Met4305Thr). This variant is present in population databases (rs763192052, gnomAD 0.007%). This variant has not been reported in the literature in individuals affected with USH2A-related conditions. ClinVar contains an entry for this variant (Variation ID: 1505974). Advanced modeling of protein sequence and biophysical properties (such as structural, functional, and spatial information, amino acid conservation, physicochemical variation, residue mobility, and thermodynamic stability) performed at Invitae indicates that this missense variant is not expected to disrupt USH2A protein function. In summary, the available evidence is currently insufficient to determine the role of this variant in disease. Therefore, it has been classified as a Variant of Uncertain Significance.